The following is an entry in ClinVar:

ClinVar aggregate classification (germline): Uncertain significance. Review status: criteria provided, multiple submitters, no conflicts (2 of 4 stars). 3 submissions from 2 submitters: Uncertain significance (3). Last evaluated 2024-03-06.

Conditions:
Catecholaminergic polymorphic ventricular tachycardia 1. Also called: RYR2-Related Catecholaminergic Polymorphic Ventricular Tachycardia; VENTRICULAR TACHYCARDIA, CATECHOLAMINERGIC POLYMORPHIC, 1, WITH OR WITHOUT ATRIAL DYSFUNCTION AND/OR DILATED CARDIOMYOPATHY; VENTRICULAR TACHYCARDIA, STRESS-INDUCED POLYMORPHIC 1. Identifiers: Orphanet 3286, MedGen C1631597, MONDO:0011484, OMIM 604772.
Arrhythmogenic right ventricular dysplasia 2. Identifiers: MedGen C1832931.
Cardiomyopathy (CMYO). Also called: Cardiomyopathies. Identifiers: Orphanet 167848, MedGen C0878544, MONDO:0004994, HP:0001638. Inheritance: Various modes of inheritance.

Submissions (3):

Color Diagnostics, LLC DBA Color Health
Classification: Uncertain significance for Cardiomyopathy. Last evaluated: 2024-03-06. Review status: criteria provided, single submitter. Criteria: ACMG Guidelines, 2015. Collection method: clinical testing. Allele origin: germline.
Comment: This missense variant replaces asparagine with serine at codon 3618 of the RYR2 protein. Computational prediction suggests that this variant may have deleterious impact on protein structure and function (internally defined REVEL score threshold >= 0.7, PMID: 27666373). To our knowledge, functional studies have not been reported for this variant. This variant has not been reported in individuals affected with cardiovascular disorders in the literature. This variant has not been identified in the general population by the Genome Aggregation Database (gnomAD). The available evidence is insufficient to determine the role of this variant in disease conclusively. Therefore, this variant is classified as a Variant of Uncertain Significance.

Illumina Laboratory Services, Illumina
Classification: Uncertain significance for Catecholaminergic polymorphic ventricular tachycardia 1. Last evaluated: 2018-01-12. Review status: criteria provided, single submitter. Criteria: ICSL Variant Classification Criteria 13 December 2019. Collection method: clinical testing. Allele origin: germline.

Illumina Laboratory Services, Illumina
Classification: Uncertain significance for Catecholaminergic polymorphic ventricular tachycardia 1. Last evaluated: 2018-01-12. Review status: criteria provided, single submitter. Criteria: ICSL Variant Classification Criteria 13 December 2019. Collection method: clinical testing. Allele origin: germline.

NM_001035.3(RYR2):c.10853A>G (p.Asn3618Ser)

Gene: RYR2 (ryanodine receptor 2; plus strand). Cytogenetic location: 1q43.
Variant type: single nucleotide variant.
Coding change: c.10853A>G on transcript NM_001035.3 (MANE Select); coding-DNA position 10853, A replaced by G.
Protein change: p.Asn3618Ser; replaces asparagine 3618 with serine.
Molecular consequence: missense variant.
Genome position (GRCh38, 1-based): chr1:237,730,274, A>G. VCF-style: chr1-237730274-A-G. GRCh37 (hg19) VCF-style: chr1-237893574-A-G.
Other names: short protein forms N3618S.
Identifiers: ClinVar variation 873781 (VCV000873781.6), dbSNP rs1690559112, ClinGen allele CA345417775.